The following is an entry in ClinVar:

NM_203486.3(DLL3):c.1016G>T (p.Cys339Phe)

Gene: DLL3 (delta like canonical Notch ligand 3; plus strand). Cytogenetic location: 19q13.2.
Variant type: single nucleotide variant.
Coding change: c.1016G>T on transcript NM_203486.3 (MANE Select); coding-DNA position 1016, G replaced by T.
Protein change: p.Cys339Phe; replaces cysteine 339 with phenylalanine.
Molecular consequence: missense variant.
Genome position (GRCh38, 1-based): chr19:39,505,374, G>T. VCF-style: chr19-39505374-G-T. GRCh37 (hg19) VCF-style: chr19-39996014-G-T.
Other names: c.1016G>T, p.Cys339Phe (NM_016941.4); short protein forms C339F.
Identifiers: ClinVar variation 665177 (VCV000665177.8), dbSNP rs1225169399, ClinGen allele CA405799084.

ClinVar aggregate classification (germline): Uncertain significance (1 of 4 stars; one submission).

Submission:

Labcorp Genetics (formerly Invitae), Labcorp
Classification: Uncertain significance. Last evaluated: 2018-11-29. Review status: criteria provided, single submitter. Criteria: Invitae Variant Classification Sherloc (09022015). Collection method: clinical testing. Allele origin: germline.
Comment: In summary, the available evidence is currently insufficient to determine the role of this variant in disease. Therefore, it has been classified as a Variant of Uncertain Significance. Algorithms developed to predict the effect of missense changes on protein structure and function are either unavailable or do not agree on the potential impact of this missense change (SIFT: "Deleterious"; PolyPhen-2: "Probably Damaging"; Align-GVGD: "Class C0"). This variant has been observed in an individual affected with clinical features of spondylocostal dysostosis (Invitae). This variant is not present in population databases (ExAC no frequency). This sequence change replaces cysteine with phenylalanine at codon 339 of the DLL3 protein (p.Cys339Phe). The cysteine residue is moderately conserved and there is a large physicochemical difference between cysteine and phenylalanine.